The following is an entry in ClinVar:

ClinVar aggregate classification (germline): Conflicting classifications of pathogenicity. Review status: criteria provided, conflicting classifications (1 of 4 stars). 6 submissions from 6 submitters: Uncertain significance (2); Likely benign (3). 1 of the submissions does not count toward it. Last evaluated 2025-12-29.

Conditions:
FREM1-related disorder. Also called: FREM1-related condition; FREM1-Related Disorders.
Trigonocephaly 2 (TRIGNO2). Identifiers: Orphanet 3366, MedGen C3280974, MONDO:0013774, OMIM 614485.
BNAR syndrome. Also called: Bifid Nose With or Without Anorectal and Renal Anomalies (BNAR) Syndrome. Identifiers: Orphanet 217266, MedGen C2750433, MONDO:0012165, OMIM 608980.
Oculotrichoanal syndrome (MOTA). Also called: MARLES SYNDROME; Manitoba Oculotrichoanal (MOTA) Syndrome. Identifiers: Orphanet 2717, MedGen C1855425, MONDO:0009560, OMIM 248450.

Allele frequency attached by ClinVar (database versions not stated): gnomAD exomes 0.00011; ExAC 0.00012; ESP Exome Variant Server 0.00017; TOPMed 0.00019; gnomAD 0.00022; 1000 Genomes Project 0.00040; 1000 Genomes Project 30x 0.00047.
gnomAD v4.1: 134 of 1,612,524 alleles (0.0083%); highest among the groups gnomAD compares: Middle Eastern, 0.05%; no homozygotes.

Submissions (6):

Labcorp Genetics (formerly Invitae), Labcorp
Classification: Likely benign. Last evaluated: 2025-12-29. Review status: criteria provided, single submitter. Criteria: Invitae Variant Classification Sherloc (09022015). Collection method: clinical testing. Allele origin: germline.

Blueprint Genetics
Classification: Likely benign. Last evaluated: 2024-09-09. Review status: criteria provided, single submitter. Criteria: ACMG Guidelines, 2015. Collection method: clinical testing. Allele origin: germline.

CeGaT Center for Human Genetics Tuebingen
Classification: Likely benign. Last evaluated: 2022-12-01. Review status: criteria provided, single submitter. Criteria: CeGaT Center For Human Genetics Tuebingen Variant Classification Criteria Version 2. Collection method: clinical testing. Allele origin: germline. Affected: yes. Observed: 1 variant allele.
Comment: FREM1: BP4, BP7

Fulgent Genetics
Classification: Uncertain significance for Oculotrichoanal syndrome; BNAR syndrome; Trigonocephaly 2. Last evaluated: 2022-01-12. Review status: criteria provided, single submitter. Criteria: ACMG Guidelines, 2015. Collection method: clinical testing. Allele origin: unknown.

Illumina Laboratory Services, Illumina
Classification: Uncertain significance for Oculotrichoanal syndrome. Last evaluated: 2018-01-13. Review status: criteria provided, single submitter. Criteria: ICSL Variant Classification Criteria 13 December 2019. Collection method: clinical testing. Allele origin: germline.

PreventionGenetics, part of Exact Sciences
Classification: Likely benign for FREM1-related condition. Last evaluated: 2024-02-20. Review status: no assertion criteria provided. Collection method: clinical testing. Allele origin: germline. Not counted in ClinVar's aggregate classification.
Comment: This variant is classified as likely benign based on ACMG/AMP sequence variant interpretation guidelines (Richards et al. 2015 PMID: 25741868, with internal and published modifications).

NM_001379081.2(FREM1):c.3756A>G (p.Gln1252=)

Gene: FREM1 (FRAS1 related extracellular matrix 1; minus strand). Cytogenetic location: 9p22.3.
Variant type: single nucleotide variant.
Coding change: c.3756A>G on transcript NM_001379081.2 (MANE Select); coding-DNA position 3756, A replaced by G.
Protein change: p.Gln1252=; no amino-acid change (glutamine 1252 retained).
Molecular consequence: synonymous variant. On other transcripts: non-coding transcript variant (2).
Genome position (GRCh38, 1-based): chr9:14,797,581, T>C on the plus strand (A>G on the coding strand, the complement: FREM1 is on the minus strand). VCF-style: chr9-14797581-T-C. GRCh37 (hg19) VCF-style: chr9-14797579-T-C.
Other names: c.3756A>G, p.Gln1252= (NM_144966.7).
Identifiers: ClinVar variation 366131 (VCV000366131.35), dbSNP rs373197206, ClinGen allele CA4990426.
Genomic context (GRCh38, chr9:14,797,581, plus strand): 5'-ATTAACTGGGATGACCTCTACTGAAATGGTTTTAAGTATCTTATGTTTCCCATCTGACAA[T>C]TGGATTGTAAAATCATCAGCAAGGCTCTCTGAGTCATCATGCATGTACGTCAACCTCATT-3'
Protein context (NP_001366010.1, residues 1242-1262): SESLADDFTI[Gln1252=]LSDGKHKILK